The following continues an entry in ClinVar:

NM_000548.5(TSC2):c.5227C>T (p.Arg1743Trp)

Gene: TSC2. ClinVar aggregate classification (germline): Pathogenic. Pathogenic (17). ClinVar aggregate classification (somatic clinical impact): Tier I - Strong.

Submissions 7 to 19 of 19:

Institute for Genomic Medicine (IGM) Clinical Laboratory, Nationwide Children's Hospital
Classification: Tier I - Strong for Subependymal giant-cell astrocytoma. Assertion type: diagnostic. Clinical significance: supports diagnosis. Last evaluated: 2023-09-21. Review status: criteria provided, single submitter. Criteria: AMP/ASCO/CAP Guidelines, 2017. Collection method: clinical testing. Allele origin: somatic. Affected: yes.
Comment: Variant has Tier I (strong) clinical significance as a diagnostic inclusion criterion in subependymal giant cell astrocytoma, based on the following evidence: 1) Documented in one or more cancer databases (e.g., St. Jude Pecan, COSMIC, CIViC, OncoKB). 2) Appears in one or more well-established professional guidelines (e.g., World Health Organization [WHO]; National Comprehensive Cancer Network [NCCN]) as providing diagnostic, prognostic, or therapeutic information. 3) Information in the literature supports potential biologic effect of variant (PMID: 18854862). 4) Diagnostic for a specific tumor type/classification according to professional guidelines (Evidence Level A; PMIDs: 29221145, 16237225, 9403714, 9007104, 33051600, 27625244, 32103336).

Illumina Laboratory Services, Illumina
Classification: Pathogenic for Tuberous sclerosis 2. Last evaluated: 2023-07-28. Review status: criteria provided, single submitter. Criteria: ICSLVariantClassificationCriteria RUGD 01 April 2020. Collection method: clinical testing. Allele origin: unknown.
Comment: The TSC2 c.5227C>T (p.Arg1743Trp) missense variant, also known as R1720W, has been identified in individuals with a phenotype consistent with tuberous sclerosis complex including, in a de novo state in at least one individual (PMID: 32211034; 35918040; 34403804). This variant is not observed in version 2.1.1 or version 3.1.2 of the Genome Aggregation Database. A functional study conducted in human cell lines demonstrated that this variant impacts protein function (PMID: 18854862). Additionally, a different amino acid substitution at the same codon (p.Arg1743Gln) has been reported in individuals with tuberous sclerosis complex and is classified as pathogenic by several submitters in ClinVar (Variation ID: 49960). Multiple lines of computational evidence suggest the variant may impact the gene or gene product. This variant was identified in a de novo state. Based on the available evidence, the c.5227C>T (p.Arg1743Trp) variant is classified as pathogenic for tuberous sclerosis complex.

PreventionGenetics, part of Exact Sciences
Classification: Pathogenic for TSC2-related condition. Last evaluated: 2023-06-07. Review status: criteria provided, single submitter. Criteria: ACMG Guidelines, 2015. Collection method: clinical testing. Allele origin: germline.
Comment: The TSC2 c.5227C>T variant is predicted to result in the amino acid substitution p.Arg1743Trp. This variant has been reported in individuals with tuberous sclerosis complex, with at least one de novo occurrence reported (Langkau et al. 2002. PubMed ID: 12111193; Rendtorff et al. 2005. PubMed ID: 16114042; Hung et al. 2006. PubMed ID: 16981987; Coevoets et al. 2008. PubMed ID: 18854862; Suspitsin et al. 2018. PubMed ID: 29476190; Papadopoulou et al. 2018. PubMed ID: 29500070). In vitro experimental studies suggest this variant impacts protein function (Coevoets et al. 2009. PubMed ID: 18854862; Referred to as "R1720W", Hoogeveen-Westerveld et al. 2011. PubMed ID: 21309039). This variant has not been reported in a large population database, indicating this variant is rare. It is interpreted as pathogenic in ClinVar. This variant is interpreted as pathogenic.

Institute of Human Genetics, University of Leipzig Medical Center
Classification: Pathogenic for Tuberous sclerosis 2. Last evaluated: 2022-12-14. Review status: criteria provided, single submitter. Criteria: ACMG Guidelines, 2015. Collection method: clinical testing. Allele origin: de novo. Affected: yes.
Comment: This variant was identified as de novo (maternity and paternity confirmed)._x000D_ Criteria applied: PS2_VSTR, PS4, PM5_STR, PS3_MOD, PM1_SUP, PM2_SUP, PP3, PP4

GeneDx
Classification: Pathogenic. Last evaluated: 2022-11-09. Review status: criteria provided, single submitter. Criteria: GeneDx Variant Classification Process June 2021. Collection method: clinical testing. Allele origin: germline. Affected: yes.
Comment: Published functional studies demonstrate a damaging effect indicating that p.R1743W disrupts the TSC1-TSC2 complex (Coevoets et al., 2009; Hoogeveen-Westerveld et al., 2011); Not observed at significant frequency in large population cohorts (gnomAD); In silico analysis supports that this missense variant has a deleterious effect on protein structure/function; This variant is associated with the following publications: (PMID: 17536269, 20165957, 15798777, 21309039, 16114042, 25782670, 22867869, 21510812, 12111193, 16981987, 27174333, 23955302, 28178598, 29500070, 28065512, 29476190, 29801666, 19369101, 10732801, 30787465, 32005694, 34403804, 34849272, 32211034, 33528079, PMC9266619, 32555378, 18854862)

Genome-Nilou Lab
Classification: Pathogenic for Tuberous sclerosis 2. Last evaluated: 2021-11-07. Review status: criteria provided, single submitter. Criteria: ACMG Guidelines, 2015. Collection method: clinical testing. Allele origin: germline. Affected: no.

Victorian Clinical Genetics Services, Murdoch Childrens Research Institute
Classification: Pathogenic for Tuberous sclerosis 2. Last evaluated: 2021-05-06. Review status: criteria provided, single submitter. Criteria: ACMG Guidelines, 2015. Collection method: clinical testing. Allele origin: germline. Inheritance: Autosomal dominant inheritance.
Comment: Based on the classification scheme VCGS_Germline_v1.3.4, this variant is classified as Pathogenic. Following criteria are met: 0102 - Loss of function is a known mechanism of disease in this gene and is associated with tuberous sclerosis-2 (MIM#613254). (I) 0107 - This gene is associated with autosomal dominant disease. Heterozygous variants are associated with tuberous sclerosis-2 (MIM#613254). Additionally, somatic variants are associated with lymphangioleiomyomatosis (MIM#606690). (I) 0254 - This variant is suspected mosaic. Low level mosaicism was detected in somatic tissues tested in a research setting. (I) 0200 - Variant is predicted to result in a missense amino acid change from arginine to tryptophan. (I) 0301 - Variant is absent from gnomAD (both v2 and v3). (SP) 0501 - Missense variant consistently predicted to be damaging by multiple in silico tools and highly conserved with a major amino acid change. (SP) 0600 - Variant is located in the annotated Rap-GAP domain (UniProt). (I) 0701 - Other missense variants comparable to the one identified in this case have very strong previous evidence for pathogenicity. Alternate changes at the same residue, to glycine, glutamine, leucine and proline have previously been reported as pathogenic (ClinVar, LOVD). (SP) 0801 - This variant has strong previous evidence of pathogenicity in unrelated individuals. The variant has previously been reported as pathogenic in multiple individuals with tuberous sclerosis, some of whom were shown to be de novo (ClinVar, LOVD, PMID: 19369101, PMID: 27859028). (SP) 1002 - This variant has moderate functional evidence supporting abnormal protein function. Cells transfected with the variant have been shown to result in a loss of protein function (ClinVar, PMID: 21309039). (SP) 1208 - Inheritance information for this variant is not currently available in this individual. (I) Legend: (SP) - Supporting pathogenic, (I) - Information, (SB) - Supporting benign

Division of Genomic Medicine, Department of Advanced Medicine, Medical Research Institute, Kanazawa Medical University
Classification: Pathogenic for Tuberous sclerosis 2. Last evaluated: 2020-07-10. Review status: criteria provided, single submitter. Criteria: ACMG Guidelines, 2015. Collection method: clinical testing. Allele origin: germline. Affected: yes. Observed: 2 variant alleles.

Fulgent Genetics
Classification: Pathogenic for Lymphangiomyomatosis; Isolated focal cortical dysplasia type II; Tuberous sclerosis 2. Last evaluated: 2018-10-31. Review status: criteria provided, single submitter. Criteria: ACMG Guidelines, 2015. Collection method: clinical testing. Allele origin: unknown.

Athena Diagnostics
Classification: Pathogenic. Last evaluated: 2018-08-01. Review status: criteria provided, single submitter. Criteria: Athena Diagnostics Criteria. Collection method: clinical testing. Allele origin: unknown.
Comment: Not found in the total gnomAD dataset, and the data is high quality. Located in potentially critical domain of the protein. This variant occurs as the most likely explanation for disease in a significant number of internal cases, suggesting this variant is associated with disease. Assessment of experimental evidence suggests this variant results in abnormal protein function. 5 de novo cases with parental identity not confirmed, plus case with parental identity confirmed.

Center of Genomic medicine, Geneva, University Hospital of Geneva
Classification: Pathogenic for Tuberous sclerosis 2. Last evaluated: 2016-12-06. Review status: criteria provided, single submitter. Criteria: ACMG Guidelines, 2015. Collection method: clinical testing. Allele origin: germline. Affected: yes.

Clinical Genetics Service, Universitary Hospital 12 de Octubre
Classification: Pathogenic for Tuberous sclerosis 2. Review status: criteria provided, single submitter. Criteria: ACMG Guidelines, 2015. Collection method: clinical testing. Allele origin: germline. Affected: yes.

Tuberous sclerosis database (TSC2)
No classification provided. Condition: TSC. Review status: no classification provided. Criteria: Tuberous Sclerosis Database Assertion Criteria 2015. Collection method: curation. Allele origin: germline. Affected: yes. Not counted in ClinVar's aggregate classification.

Literature cited by the submitters: PubMed 19369101 (cited by 3 submitters); PubMed 21309039 (cited by 6 submitters); PubMed 15798777 (cited by 3billion and Ambry Genetics); PubMed 10205261 (cited by 3billion); PubMed 27859028 (cited by 3billion and Victorian Clinical Genetics Services, Murdoch Childrens Research Institute); PubMed 18854862 (cited by 5 submitters); PubMed 22867869 (cited by 3 submitters); PubMed 16114042 (cited by 3 submitters); PubMed 29476190 (cited by Institute for Genomic Medicine (IGM) Clinical Laboratory, Nationwide Children's Hospital and Labcorp Genetics (formerly Invitae), Labcorp); PubMed 23955302 (cited by Institute for Genomic Medicine (IGM) Clinical Laboratory, Nationwide Children's Hospital and Labcorp Genetics (formerly Invitae), Labcorp); PubMed 12111193 (cited by 3 submitters); PubMed 16981987 (cited by 3 submitters); PubMed 27174333 (cited by Institute for Genomic Medicine (IGM) Clinical Laboratory, Nationwide Children's Hospital and Labcorp Genetics (formerly Invitae), Labcorp); PubMed 29500070 (cited by Institute for Genomic Medicine (IGM) Clinical Laboratory, Nationwide Children's Hospital and Labcorp Genetics (formerly Invitae), Labcorp); PubMed 29801666 (cited by Institute for Genomic Medicine (IGM) Clinical Laboratory, Nationwide Children's Hospital and Labcorp Genetics (formerly Invitae), Labcorp); PubMed 10732801 (cited by Labcorp Genetics (formerly Invitae), Labcorp); PubMed 20165957 (cited by Labcorp Genetics (formerly Invitae), Labcorp); PubMed 29221145 (cited by Institute for Genomic Medicine (IGM) Clinical Laboratory, Nationwide Children's Hospital); PubMed 16237225 (cited by Institute for Genomic Medicine (IGM) Clinical Laboratory, Nationwide Children's Hospital); PubMed 9403714 (cited by Institute for Genomic Medicine (IGM) Clinical Laboratory, Nationwide Children's Hospital); PubMed 9007104 (cited by Institute for Genomic Medicine (IGM) Clinical Laboratory, Nationwide Children's Hospital); PubMed 33051600 (cited by Institute for Genomic Medicine (IGM) Clinical Laboratory, Nationwide Children's Hospital); PubMed 27625244 (cited by Institute for Genomic Medicine (IGM) Clinical Laboratory, Nationwide Children's Hospital); PubMed 32103336 (cited by Institute for Genomic Medicine (IGM) Clinical Laboratory, Nationwide Children's Hospital); PubMed 35918040 (cited by Illumina Laboratory Services, Illumina); PubMed 32211034 (cited by Illumina Laboratory Services, Illumina); PubMed 34403804 (cited by Illumina Laboratory Services, Illumina); PubMed 21510812 (cited by Athena Diagnostics); PubMed 24412076 (cited by Athena Diagnostics); PubMed 28065512 (cited by Athena Diagnostics); PubMed 28178598 (cited by Athena Diagnostics).